The following is an entry in ClinVar:

NM_015991.4(C1QA):c.185G>T (p.Gly62Val)

Gene: C1QA (complement C1q A chain; plus strand). Cytogenetic location: 1p36.12.
Variant type: single nucleotide variant.
Coding change: c.185G>T on transcript NM_015991.4 (MANE Select); coding-DNA position 185, G replaced by T.
Protein change: p.Gly62Val; replaces glycine 62 with valine.
Molecular consequence: missense variant.
Genome position (GRCh38, 1-based): chr1:22,638,854, G>T. VCF-style: chr1-22638854-G-T. GRCh37 (hg19) VCF-style: chr1-22965347-G-T.
Other names: c.185G>T, p.Gly62Val (NM_001347465.2, NM_001347466.2); short protein forms G62V.
Identifiers: ClinVar variation 1966649 (VCV001966649.4), dbSNP rs960202389, ClinGen allele CA19171105.
Genomic context (GRCh38, chr1:22,638,854, plus strand): 5'-ATTGGACTCTCACTTCCAATCTGGCATTTCTCCCCACAGGGGCCCCTGGCATCCGGACAG[G>T]CATCCAAGGCCTTAAAGGAGACCAGGGGGAACCTGGGCCCTCTGGAAACCCCGGCAAGGT-3'
Protein context (NP_057075.1, residues 52-72): GEPGAPGIRT[Gly62Val]IQGLKGDQGE

ClinVar aggregate classification (germline): Uncertain significance (1 of 4 stars; one submission).

Allele frequency attached by ClinVar (database versions not stated): gnomAD exomes below 0.00001; TOPMed below 0.00001.

Submission:

Labcorp Genetics (formerly Invitae), Labcorp
Classification: Uncertain significance. Last evaluated: 2022-05-10. Review status: criteria provided, single submitter. Criteria: Invitae Variant Classification Sherloc (09022015). Collection method: clinical testing. Allele origin: germline.
Comment: In summary, the available evidence is currently insufficient to determine the role of this variant in disease. Therefore, it has been classified as a Variant of Uncertain Significance. Algorithms developed to predict the effect of missense changes on protein structure and function are either unavailable or do not agree on the potential impact of this missense change (SIFT: "Tolerated"; PolyPhen-2: "Possibly Damaging"; Align-GVGD: "Class C0"). This variant has not been reported in the literature in individuals affected with C1QA-related conditions. This variant is not present in population databases (gnomAD no frequency). This sequence change replaces glycine, which is neutral and non-polar, with valine, which is neutral and non-polar, at codon 62 of the C1QA protein (p.Gly62Val).